The following is an entry in ClinVar:

ClinVar aggregate classification (germline): Uncertain significance (1 of 4 stars; one submission).

Allele frequency attached by ClinVar (database versions not stated): TOPMed 0.00001.
gnomAD v4.1: 1 of 1,523,648 alleles (0.000066%); no homozygotes.

Submission:

Labcorp Genetics (formerly Invitae), Labcorp
Classification: Uncertain significance. Last evaluated: 2025-02-12. Review status: criteria provided, single submitter. Criteria: Invitae Variant Classification Sherloc (09022015). Collection method: clinical testing. Allele origin: germline.
Comment: This sequence change replaces proline, which is neutral and non-polar, with arginine, which is basic and polar, at codon 19 of the RELB protein (p.Pro19Arg). This variant is not present in population databases (gnomAD no frequency). This variant has not been reported in the literature in individuals affected with RELB-related conditions. ClinVar contains an entry for this variant (Variation ID: 2780441). An algorithm developed to predict the effect of missense changes on protein structure and function (PolyPhen-2) suggests that this variant is likely to be tolerated. In summary, the available evidence is currently insufficient to determine the role of this variant in disease. Therefore, it has been classified as a Variant of Uncertain Significance.

NM_006509.4(RELB):c.56C>G (p.Pro19Arg)

Genes: RELB (RELB proto-oncogene, NF-kB subunit; plus strand), LOC130064661 (ATAC-STARR-seq lymphoblastoid silent region 10746; plus strand). Cytogenetic location: 19q13.32.
Variant type: single nucleotide variant.
Coding change: c.56C>G on transcript NM_006509.4 (MANE Select); coding-DNA position 56, C replaced by G.
Protein change: p.Pro19Arg; replaces proline 19 with arginine.
Molecular consequence: missense variant.
Genome position (GRCh38, 1-based): chr19:45,001,635, C>G. VCF-style: chr19-45001635-C-G. GRCh37 (hg19) VCF-style: chr19-45504893-C-G.
Other names: c.56C>G, p.Pro19Arg (NM_001411087.1); short protein forms P19R.
Identifiers: ClinVar variation 2780441 (VCV002780441.3), dbSNP rs1265919098, ClinGen allele CA406319559.